The following is an entry in ClinVar:

NM_018076.5(ODAD2):c.316C>T (p.Gln106Ter)

Gene: ODAD2 (outer dynein arm docking complex subunit 2; minus strand). Cytogenetic location: 10p12.1.
Variant type: single nucleotide variant.
Coding change: c.316C>T on transcript NM_018076.5 (MANE Select); coding-DNA position 316, C replaced by T.
Protein change: p.Gln106Ter; replaces glutamine 106 with a stop codon.
Molecular consequence: nonsense.
Genome position (GRCh38, 1-based): chr10:27,987,452, G>A on the plus strand (C>T on the coding strand, the complement: ODAD2 is on the minus strand). VCF-style: chr10-27987452-G-A. GRCh37 (hg19) VCF-style: chr10-28276381-G-A.
Other names: c.316C>T, p.Gln106Ter (NM_001290020.2); short protein forms Q106*.
Identifiers: ClinVar variation 2989939 (VCV002989939.3), dbSNP rs1436932284, ClinGen allele CA376397609.

ClinVar aggregate classification (germline): Pathogenic (1 of 4 stars; one submission).

Conditions:
Primary ciliary dyskinesia 23 (CILD23). Also called: CILIARY DYSKINESIA, PRIMARY, 23, WITH OR WITHOUT SITUS INVERSUS. Identifiers: Orphanet 244, MedGen C3809548, MONDO:0014193, OMIM 615451.

Allele frequency attached by ClinVar (database versions not stated): gnomAD exomes below 0.00001.

Submission:

Labcorp Genetics (formerly Invitae), Labcorp
Classification: Pathogenic for Primary ciliary dyskinesia 23. Last evaluated: 2025-02-18. Review status: criteria provided, single submitter. Criteria: Invitae Variant Classification Sherloc (09022015). Collection method: clinical testing. Allele origin: germline.
Comment: This sequence change creates a premature translational stop signal (p.Gln106*) in the ARMC4 gene. It is expected to result in an absent or disrupted protein product. Loss-of-function variants in ARMC4 are known to be pathogenic (PMID: 23849778). This variant is present in population databases (no rsID available, gnomAD 0.003%). This variant has not been reported in the literature in individuals affected with ARMC4-related conditions. ClinVar contains an entry for this variant (Variation ID: 2989939). Algorithms developed to predict the effect of sequence changes on RNA splicing suggest that this variant may disrupt the consensus splice site. For these reasons, this variant has been classified as Pathogenic.

Literature cited by the submitters: PubMed 23849778.